The following is an entry in ClinVar:

NC_012920.1(MT-ATP6):m.8789T>C

Gene: MT-ATP6 (mitochondrially encoded ATP synthase 6; plus strand).
Variant type: single nucleotide variant.
Genome position: chrM-8789-T-C.
Identifiers: ClinVar variation 692986 (VCV000692986.1), dbSNP rs1603221811, ClinGen allele CA414798091.

ClinVar aggregate classification (germline): Uncertain significance (1 of 4 stars; one submission).

Conditions:
Leigh syndrome (NULS). Also called: Leigh's necrotizing encephalopathy; Leigh's disease; Leigh Syndrome (mtDNA deletion); Leigh Disease; Subacute necrotizing encephalopathy; Necrotizing encephalopathy infantile subacute of Leigh. Identifiers: Orphanet 506, MedGen C2931891, MONDO:0009723, OMIM 256000.

Submission:

Wong Mito Lab, Molecular and Human Genetics, Baylor College of Medicine
Classification: Uncertain significance for Leigh syndrome. Last evaluated: 2019-10-17. Review status: criteria provided, single submitter. Criteria: Modified ACMG Guidelines (Unpublished). Collection method: clinical testing. Allele origin: germline.
Comment: The NC_012920.1:m.8789T>C (YP_003024031.1:p.Leu88Pro) variant in MTATP6 gene is interpretated to be a Uncertain Significance variant based on the modified ACMG guidelines (unpublished). This variant meets the following evidence codes: PP3, PP7